The following is an entry in ClinVar:

ClinVar aggregate classification (germline): Uncertain significance (1 of 4 stars; one submission).

gnomAD v4.1: 1 of 1,614,248 alleles (0.000062%); no homozygotes.

Submission:

GeneDx
Classification: Uncertain significance. Last evaluated: 2024-12-31. Review status: criteria provided, single submitter. Criteria: GeneDx Variant Classification Process June 2021. Collection method: clinical testing. Allele origin: germline. Affected: yes.
Comment: Not observed at significant frequency in large population cohorts (gnomAD); In silico analysis supports that this missense variant has a deleterious effect on protein structure/function; Has not been previously published as pathogenic or benign to our knowledge

NM_170606.3(KMT2C):c.11539A>C (p.Lys3847Gln)

Genes: KMT2C (lysine methyltransferase 2C; minus strand), LOC129999675 (ATAC-STARR-seq lymphoblastoid active region 26876; plus strand). Cytogenetic location: 7q36.1.
Variant type: single nucleotide variant.
Coding change: c.11539A>C on transcript NM_170606.3 (MANE Select); coding-DNA position 11539, A replaced by C.
Protein change: p.Lys3847Gln; replaces lysine 3847 with glutamine.
Molecular consequence: missense variant.
Genome position (GRCh38, 1-based): chr7:152,158,994, T>G on the plus strand (A>C on the coding strand, the complement: KMT2C is on the minus strand). VCF-style: chr7-152158994-T-G. GRCh37 (hg19) VCF-style: chr7-151856079-T-G.
Other names: short protein forms K3847Q.
Identifiers: ClinVar variation 3907734 (VCV003907734.1).